The following is an entry in ClinVar:

ClinVar aggregate classification (germline): Pathogenic (1 of 4 stars; one submission).

Conditions:
Charlevoix-Saguenay spastic ataxia (SACS). Also called: AUTOSOMAL RECESSIVE SPASTIC ATAXIA OF CHARLEVOIX-SAGUENAY; Spastic ataxia of Charlevoix-Saguenay; SPASTIC ATAXIA 6, AUTOSOMAL RECESSIVE. Identifiers: Orphanet 98, MedGen C1849140, MONDO:0010041, OMIM 270550.

Submission:

Women's Health and Genetics/Laboratory Corporation of America, LabCorp
Classification: Pathogenic for Charlevoix-Saguenay spastic ataxia. Last evaluated: 2023-07-20. Review status: criteria provided, single submitter. Criteria: LabCorp Variant Classification Summary - May 2015. Collection method: clinical testing. Allele origin: germline.
Comment: Variant summary: SACS c.9311delC (p.Thr3104AsnfsX23) results in a premature termination codon in the last exon that is not expected to result in nonsense mediated decay (NMD), but is predicted to cause a large truncation of the encoded protein. Variants downstream of this position have been classified as pathogenic by our laboratory (e.g., c.10906C>T (p.Arg3636X)). The variant was absent in 250710 control chromosomes. To our knowledge, no occurrence of c.9311delC in individuals affected with Autosomal Recessive Spastic Ataxia Of Charlevoix-Saguenay and no experimental evidence demonstrating its impact on protein function have been reported. No submitters have cited clinical-significance assessments for this variant to ClinVar after 2014. Based on the evidence outlined above, the variant was classified as pathogenic.

NM_014363.6(SACS):c.9311del (p.Thr3104fs)

Gene: SACS (sacsin molecular chaperone; minus strand). Cytogenetic location: 13q12.12.
Variant type: Deletion.
Coding change: c.9311del on transcript NM_014363.6 (MANE Select); coding-DNA position 9311, one base deleted (C; older notation c.9311delC).
Protein change: p.Thr3104fs; shifts the reading frame from threonine 3104.
Molecular consequence: frameshift variant.
Genome position (GRCh38, 1-based): chr13:23,334,565, G deleted on the plus strand (C on the coding strand, the reverse complement: SACS is on the minus strand). VCF-style (leftmost placement, unchanged base first): chr13-23334564-TG-T. GRCh37 (hg19) VCF-style: chr13-23908703-TG-T.
Other names: c.8870del, p.Thr2957fs (NM_001278055.2); short protein forms T2957fs, T3104fs.
Identifiers: ClinVar variation 2577100 (VCV002577100.1), dbSNP rs2542204202, ClinGen allele CA2580614616.